The following is an entry in ClinVar:

NM_004208.4(AIFM1):c.1204C>A (p.Pro402Thr)

Genes: RAB33A (RAB33A, member RAS oncogene family; plus strand), AIFM1 (apoptosis inducing factor mitochondria associated 1; minus strand). Cytogenetic location: Xq26.1.
Variant type: single nucleotide variant.
Coding change: c.1204C>A on transcript NM_004208.4 (MANE Select); coding-DNA position 1204, C replaced by A.
Protein change: p.Pro402Thr; replaces proline 402 with threonine.
Molecular consequence: missense variant. On other transcripts: 3 prime UTR variant (1), non-coding transcript variant (1).
Genome position (GRCh38, 1-based): chrX:130,136,146, G>T on the plus strand (C>A on the coding strand, the complement: AIFM1 is on the minus strand). VCF-style: chrX-130136146-G-T. GRCh37 (hg19) VCF-style: chrX-129270121-G-T.
Other names: c.187C>A, p.Pro63Thr (NM_001130846.4); c.*432C>A (NM_001130847.4); c.1192C>A, p.Pro398Thr (NM_145812.3); short protein forms P402T, P63T, P398T.
Identifiers: ClinVar variation 430466 (VCV000430466.4), dbSNP rs1131691983, ClinGen allele CA414575358.

ClinVar aggregate classification (germline): Likely pathogenic (1 of 4 stars; one submission).

Submission:

GeneDx
Classification: Likely pathogenic. Last evaluated: 2020-10-22. Review status: criteria provided, single submitter. Criteria: GeneDx Variant Classification Process June 2021. Collection method: clinical testing. Allele origin: germline. Affected: yes.
Comment: Not observed in large population cohorts (Lek et al., 2016); Has not been previously published as pathogenic or benign to our knowledge